The following is an entry in ClinVar:

NM_001060.6(TBXA2R):c.995T>C (p.Leu332Pro)

Gene: TBXA2R (thromboxane A2 receptor; minus strand). Cytogenetic location: 19p13.3.
Variant type: single nucleotide variant.
Coding change: c.995T>C on transcript NM_001060.6 (MANE Select); coding-DNA position 995, T replaced by C.
Protein change: p.Leu332Pro; replaces leucine 332 with proline.
Molecular consequence: missense variant. On other transcripts: intron variant (1).
Genome position (GRCh38, 1-based): chr19:3,595,725, A>G on the plus strand (T>C on the coding strand, the complement: TBXA2R is on the minus strand). VCF-style: chr19-3595725-A-G. GRCh37 (hg19) VCF-style: chr19-3595723-A-G.
Other names: c.983+12T>C (NM_201636.3); short protein forms L332P.
Identifiers: ClinVar variation 3011566 (VCV003011566.3), dbSNP rs2512436304, ClinGen allele CA403329981.

ClinVar aggregate classification (germline): Uncertain significance (1 of 4 stars; one submission).

Submission:

Labcorp Genetics (formerly Invitae), Labcorp
Classification: Uncertain significance. Last evaluated: 2024-04-15. Review status: criteria provided, single submitter. Criteria: Invitae Variant Classification Sherloc (09022015). Collection method: clinical testing. Allele origin: germline.
Comment: This sequence change replaces leucine, which is neutral and non-polar, with proline, which is neutral and non-polar, at codon 332 of the TBXA2R protein (p.Leu332Pro). This variant is not present in population databases (gnomAD no frequency). This variant has not been reported in the literature in individuals affected with TBXA2R-related conditions. An algorithm developed to predict the effect of missense changes on protein structure and function (PolyPhen-2) suggests that this variant is likely to be disruptive. In summary, the available evidence is currently insufficient to determine the role of this variant in disease. Therefore, it has been classified as a Variant of Uncertain Significance.